The following is an entry in ClinVar:

NM_014753.4(BMS1):c.3141T>G (p.Phe1047Leu)

Gene: BMS1 (BMS1 ribosome biogenesis factor; plus strand). Cytogenetic location: 10q11.21.
Variant type: single nucleotide variant.
Coding change: c.3141T>G on transcript NM_014753.4 (MANE Select); coding-DNA position 3141, T replaced by G.
Protein change: p.Phe1047Leu; replaces phenylalanine 1047 with leucine.
Molecular consequence: missense variant.
Genome position (GRCh38, 1-based): chr10:42,823,126, T>G. VCF-style: chr10-42823126-T-G. GRCh37 (hg19) VCF-style: chr10-43318574-T-G.
Other names: short protein forms F1047L.
Identifiers: ClinVar variation 3035886 (VCV003035886.2), dbSNP rs183982916, ClinGen allele CA5476261.
Genomic context (GRCh38, chr10:42,823,126, plus strand): 5'-CATAAAGTATATGATTTTGTGTGTGTGTGTTTTTATCTTGCTATACCTGTAGGGAATGTT[T>G]AATTCTGCCTTGGAAGTGGCCAAATTTGAAGGTGCTGTGATTCGAACAGTCAGTGGGATA-3'
Protein context (NP_055568.3, residues 1037-1057): FKNTSFIKGM[Phe1047Leu]NSALEVAKFE

ClinVar aggregate classification (germline): Benign (0 of 4 stars; one submission).

Conditions:
BMS1-related disorder. Also called: BMS1-related condition.

Allele frequency attached by ClinVar (database versions not stated): TOPMed 0.00034; ESP Exome Variant Server 0.00062; gnomAD exomes 0.00067; gnomAD 0.00090; 1000 Genomes Project 30x 0.00109; 1000 Genomes Project 0.00120; ExAC 0.00139.
gnomAD v4.1: 1,091 of 1,588,256 alleles (0.069%); highest among the groups gnomAD compares: East Asian, 0.29%; 1 homozygote.

Submission:

PreventionGenetics, part of Exact Sciences
Classification: Benign for BMS1-related condition. Last evaluated: 2019-08-01. Review status: no assertion criteria provided. Collection method: clinical testing. Allele origin: germline.
Comment: This variant is classified as benign based on ACMG/AMP sequence variant interpretation guidelines (Richards et al. 2015 PMID: 25741868, with internal and published modifications).